The following is an entry in ClinVar:

NM_024757.5(EHMT1):c.682A>G (p.Arg228Gly)

Gene: EHMT1 (euchromatic histone lysine methyltransferase 1; plus strand). Cytogenetic location: 9q34.3.
Variant type: single nucleotide variant.
Coding change: c.682A>G on transcript NM_024757.5 (MANE Select); coding-DNA position 682, A replaced by G.
Protein change: p.Arg228Gly; replaces arginine 228 with glycine.
Molecular consequence: missense variant.
Genome position (GRCh38, 1-based): chr9:137,728,388, A>G. VCF-style: chr9-137728388-A-G. GRCh37 (hg19) VCF-style: chr9-140622840-A-G.
Other names: c.682A>G, p.Arg228Gly (NM_001145527.2, NM_001354263.2, NM_001354611.2); c.589A>G, p.Arg197Gly (NM_001354259.2, NM_001354612.2); short protein forms R197G, R228G.
Identifiers: ClinVar variation 2060822 (VCV002060822.4), dbSNP rs2541309992, ClinGen allele CA375771775.

ClinVar aggregate classification (germline): Uncertain significance (1 of 4 stars; one submission).

Conditions:
Kleefstra syndrome 1 (KLEFS1). Identifiers: Orphanet 261494, MedGen C0795833, MONDO:0027407, OMIM 610253.

Allele frequency attached by ClinVar (database versions not stated): gnomAD exomes below 0.00001.
gnomAD v4.1: 3 of 1,614,200 alleles (0.00019%); highest among the groups gnomAD compares: Non-Finnish European, 0.00025%; no homozygotes.

Submission:

Labcorp Genetics (formerly Invitae), Labcorp
Classification: Uncertain significance for Kleefstra syndrome 1. Last evaluated: 2021-12-25. Review status: criteria provided, single submitter. Criteria: Invitae Variant Classification Sherloc (09022015). Collection method: clinical testing. Allele origin: germline.
Comment: In summary, the available evidence is currently insufficient to determine the role of this variant in disease. Therefore, it has been classified as a Variant of Uncertain Significance. Algorithms developed to predict the effect of missense changes on protein structure and function are either unavailable or do not agree on the potential impact of this missense change (SIFT: "Deleterious"; PolyPhen-2: "Benign"; Align-GVGD: "Class C0"). This variant has not been reported in the literature in individuals affected with EHMT1-related conditions. This variant is not present in population databases (gnomAD no frequency). This sequence change replaces arginine, which is basic and polar, with glycine, which is neutral and non-polar, at codon 228 of the EHMT1 protein (p.Arg228Gly).